The following continues an entry in ClinVar:

NM_058216.3(RAD51C):c.404G>A (p.Cys135Tyr)

Gene: RAD51C. ClinVar aggregate classification (germline): Pathogenic/Likely pathogenic. Pathogenic (5); Likely pathogenic (9).

Submissions 9 to 14 of 14:

Centre for Mendelian Genomics, University Medical Centre Ljubljana
Classification: Pathogenic for Breast-ovarian cancer, familial, susceptibility to, 3. Last evaluated: 2022-12-09. Review status: criteria provided, single submitter. Criteria: ACMG Guidelines, 2015. Collection method: research. Allele origin: germline. Affected: no.
Comment: PS3, PS4_STR, PM2_SUP, PM5

GeneDx
Classification: Likely pathogenic. Last evaluated: 2022-12-07. Review status: criteria provided, single submitter. Criteria: GeneDx Variant Classification Process June 2021. Collection method: clinical testing. Allele origin: germline. Affected: yes.
Comment: Alters the last nucleotide of the exon and is demonstrated to promote the use of a cryptic splice site resulting in multiple transcripts with a protein termination codon (Sanoguera-Miralles et al., 2020); Not observed at a significant frequency in large population cohorts (gnomAD); Published functional studies demonstrate a damaging effect: unable to restore RAD51 foci formation (Osorio et al., 2012); This variant is associated with the following publications: (PMID: 25154786, 22451500, 29409816, 24993905, 29922827, 25470109, 23117857, 28829762, 31125277, 33011440, 14704354, 27622768, 32322110, 33086730, 35039523, 33333735, 34923718, 28888541, 35264596)

Department of Pathology and Laboratory Medicine, Sinai Health System
Classification: Likely pathogenic for Breast-ovarian cancer, familial, susceptibility to, 3. Last evaluated: 2022-01-11. Review status: criteria provided, single submitter. Criteria: ACMG Guidelines, 2015. Collection method: clinical testing. Allele origin: germline. Affected: yes.

Women's Health and Genetics/Laboratory Corporation of America, LabCorp
Classification: Likely pathogenic for Hereditary breast and ovarian cancer syndrome. Last evaluated: 2019-11-20. Review status: criteria provided, single submitter. Criteria: LabCorp Variant Classification Summary - May 2015. Collection method: clinical testing. Allele origin: germline.
Comment: Variant Summary: RAD51C c.404G>A (p.Cys135Tyr) results in a non-conservative amino acid change located in the DNA recombination and repair protein RecA-like, ATP-binding domain (IPR020588) of the encoded protein sequence. Four of five in-silico tools predict a damaging effect of the variant on protein function. In addition, the variant also affects a conserved nucleotide located in the last position of exon 2. Several computational tools predict a significant impact on normal splicing: three predict the variant abolishes a 5' splicing donor site, while one predicts the variant weakens a 5' donor site. However, these predictions have yet to be confirmed by functional studies. In an in vitro study, two different nucleotide changes affecting the same position, namely c.404G>C and c.404G>T, have been shown to disrupt RAD51C pre-mRNA processing, resulting in the utilization of a cryptic intronic donor site 27 bp downstream of the canonical splice site (Neidhart_2017). Both these variants were shown to completely abolish proper splicing, causing the inclusion of intronic sequences resulting in a missense substitution immediately followed by a stop codon in both instances. Based on these data, our variant of interest can be predicted to result in a similar outcome. The variant allele was found at a frequency of 4e-06 in 247064 control chromosomes. c.404G>A has been reported in the literature in individuals affected with Hereditary Breast and Ovarian Cancer (Osorio_2012, Sanchez-Bermudez_2018). These data indicate that the variant may be associated with disease. An in vitro study, examining the effect of this variant at the protein level, using an (intronless) cDNA construct, demonstrated an approximately 50% reduction in RAD51C foci formation (a surrogate measure of homology-directed repair) (Osorio_2012). However, in light of the potential strong spliceogenic effect, this finding might not reflect the overall physiological consequence of the variant in-vivo. Four clinical diagnostic laboratories have submitted clinical-significance assessments for this variant to ClinVar after 2014 without evidence for independent evaluation. All laboratories classified the variant as likely pathogenic citing overlapping evidence utilized in the context of this evaluation. Based on the evidence outlined above, the variant was re-classified as likely pathogenic.

Mendelics
Classification: Likely pathogenic for Hereditary breast and ovarian cancer syndrome. Last evaluated: 2018-07-02. Review status: criteria provided, single submitter. Criteria: Mendelics Assertion Criteria 2017. Collection method: clinical testing. Allele origin: unknown.

Genesis Genomics
Classification: Pathogenic for Breast-ovarian cancer, familial, susceptibility to, 3. Review status: criteria provided, single submitter. Criteria: ACMG Guidelines, 2015. Collection method: clinical testing. Allele origin: germline. Affected: yes. Observed: 3 variant alleles. Clinical features observed: Breast cancer.

Literature cited by the submitters: PubMed 22451500 (cited by 7 submitters); PubMed 33333735 (cited by 5 submitters); PubMed 33011440 (cited by 5 submitters); PubMed 21990120 (cited by Dasa); PubMed 24800917 (cited by Dasa); PubMed 20400964 (cited by Dasa); PubMed 29409816 (cited by 6 submitters); PubMed 17576681 (cited by Labcorp Genetics (formerly Invitae), Labcorp); PubMed 9536098 (cited by Labcorp Genetics (formerly Invitae), Labcorp); PubMed 27622768 (cited by 3 submitters); PubMed 37253112 (cited by Quest Diagnostics Nichols Institute San Juan Capistrano and Color Diagnostics, LLC DBA Color Health); PubMed 36099300 (cited by Quest Diagnostics Nichols Institute San Juan Capistrano and Color Diagnostics, LLC DBA Color Health); PubMed 35264596 (cited by 3 submitters); PubMed 35039523 (cited by Quest Diagnostics Nichols Institute San Juan Capistrano and Color Diagnostics, LLC DBA Color Health); PubMed 33471991 (cited by 3 submitters); PubMed 31125277 (cited by 3 submitters); PubMed 28829762 (cited by Quest Diagnostics Nichols Institute San Juan Capistrano and Women's Health and Genetics/Laboratory Corporation of America, LabCorp); PubMed 25470109 (cited by Quest Diagnostics Nichols Institute San Juan Capistrano and Women's Health and Genetics/Laboratory Corporation of America, LabCorp); PubMed 24993905 (cited by Quest Diagnostics Nichols Institute San Juan Capistrano and Women's Health and Genetics/Laboratory Corporation of America, LabCorp); PubMed 37843130 (cited by Color Diagnostics, LLC DBA Color Health); PubMed 25154786 (cited by Women's Health and Genetics/Laboratory Corporation of America, LabCorp); PubMed 23117857 (cited by Women's Health and Genetics/Laboratory Corporation of America, LabCorp).